The following is an entry in ClinVar:

NM_001360016.2(G6PD):c.1226C>G (p.Pro409Arg)

Gene: G6PD (glucose-6-phosphate dehydrogenase; minus strand). Cytogenetic location: Xq28.
Variant type: single nucleotide variant.
Coding change: c.1226C>G on transcript NM_001360016.2 (MANE Select); coding-DNA position 1226, C replaced by G.
Protein change: p.Pro409Arg; replaces proline 409 with arginine.
Molecular consequence: missense variant.
Genome position (GRCh38, 1-based): chrX:154,532,628, G>C on the plus strand (C>G on the coding strand, the complement: G6PD is on the minus strand). VCF-style: chrX-154532628-G-C. GRCh37 (hg19) VCF-style: chrX-153760843-G-C.
Other names: G6PD Suwalki; c.1316C>G, p.Pro439Arg (NM_000402.4); c.1226C>G, p.Pro409Arg (NM_001042351.3); short protein forms P409R, P439R.
Identifiers: ClinVar variation 1722680 (VCV001722680.3), dbSNP rs1557229670, ClinGen allele CA415233940.

ClinVar aggregate classification (germline): Pathogenic. Review status: criteria provided, multiple submitters, no conflicts (2 of 4 stars). 2 submissions from 2 submitters: Pathogenic (2). Last evaluated 2026-03-24.

Conditions:
Anemia, nonspherocytic hemolytic, due to G6PD deficiency (CNSHA1). Also called: ANEMIA, CONGENITAL, NONSPHEROCYTIC HEMOLYTIC, 1; Hemolytic anemia due to G6PD deficiency; Favism, susceptibility to; Class I glucose-6-phosphate dehydrogenase deficiency. Identifiers: Orphanet 466026, MedGen C2720289, MONDO:0010480, OMIM 300908.

Submissions (2):

GeneDx
Classification: Pathogenic. Last evaluated: 2026-03-24. Review status: criteria provided, single submitter. Criteria: GeneDx Variant Classification Process June 2021. Collection method: clinical testing. Allele origin: germline.
Comment: Observed in the hemizygous state in several unrelated patients with clinical features of G6PD-related glucose-6-phosphate dehydrogenase deficiency referred for genetic testing at GeneDx and in the published literature, and not observed in hemizygous state in controls (PMID: 14757426, 38666530); Published functional studies demonstrate a damaging effect with P409R reducing G6PD enzymatic activity (PMID: 40943386, 14757426); In silico analysis supports that this missense variant has a deleterious effect on protein structure/function; Not observed at significant frequency in large population cohorts (gnomAD); This variant is associated with the following publications: (PMID: 14757426, 40943386, 36681081, 38666530)

Dunham Lab, University of Washington
Classification: Pathogenic for Anemia, nonspherocytic hemolytic, due to G6PD deficiency. Last evaluated: 2022-08-12. Review status: criteria provided, single submitter. Criteria: Bayesian ACMG Guidelines, 2018. Collection method: curation. Allele origin: inherited. Affected: yes.
Comment: Heterozygotes in family have slightly rediced G6PD activity (PP1). Undetectable activity in red blood cells of hemizygote, and decreased when exressed in S. cerevisiae (PS3). Within dimer interface (PM1). Not found in gnomAD (PM2). Post_P 0.994 (odds of pathogenicity 1517, Prior_P 0.1).

Literature cited by the submitters: PubMed 14757426 (cited by Dunham Lab, University of Washington); PubMed 31294066 (cited by Dunham Lab, University of Washington).